The following is an entry in ClinVar:

NM_000548.5(TSC2):c.4677C>G (p.Leu1559=)

Gene: TSC2 (TSC complex subunit 2; plus strand). Cytogenetic location: 16p13.3.
Variant type: single nucleotide variant.
Coding change: c.4677C>G on transcript NM_000548.5 (MANE Select); coding-DNA position 4677, C replaced by G.
Protein change: p.Leu1559=; no amino-acid change (leucine 1559 retained).
Molecular consequence: synonymous variant.
Genome position (GRCh38, 1-based): chr16:2,086,207, C>G. VCF-style: chr16-2086207-C-G. GRCh37 (hg19) VCF-style: chr16-2136208-C-G.
Other names: c.4476C>G, p.Leu1492= (NM_001077183.3); c.4608C>G, p.Leu1536= (NM_001114382.3); c.4368C>G, p.Leu1456= (NM_001318827.2); c.4332C>G, p.Leu1444= (NM_001318829.2); c.3945C>G, p.Leu1315= (NM_001318831.2); c.4509C>G, p.Leu1503= (NM_001318832.2); c.4479C>G, p.Leu1493= (NM_001363528.2); c.4545C>G, p.Leu1515= (NM_001370404.1); and 1 more.
Identifiers: ClinVar variation 50051 (VCV000050051.4), dbSNP rs45517361, ClinGen allele CA020891.
Genomic context (GRCh38, chr16:2,086,207, plus strand): 5'-CCCGGCCCGGGAGTGATGCCACCCTGCCTCTCCCCTCTCCCCACAGAGCAACAGCGAGCT[C>G]GCCATCCTGTCCAATGAGCATGGCTCCTACAGGTACACGGAGTTCCTGACGGGCCTGGGC-3'
Protein context (NP_000539.2, residues 1549-1569): YVGEGQSNSE[Leu1559=]AILSNEHGSY

ClinVar aggregate classification (germline): Benign/Likely benign. Review status: criteria provided, multiple submitters, no conflicts (2 of 4 stars). 3 submissions from 3 submitters: Benign (1); Likely benign (1). 1 of the submissions does not count toward it. Last evaluated 2025-06-04.

Conditions:
Tuberous sclerosis syndrome (TSC). Also called: Tuberous Sclerosis Complex; Tuberous sclerosis. Identifiers: Orphanet 805, MedGen C0041341, MONDO:0001734.
Tuberous sclerosis 2 (TSC2). Identifiers: Orphanet 805, MedGen C1860707, MONDO:0013199, OMIM 613254.
Hereditary cancer-predisposing syndrome. Also called: Neoplastic Syndromes, Hereditary; Tumor predisposition; Hereditary Cancer Syndrome; Hereditary neoplastic syndrome. Identifiers: Orphanet 140162, MedGen C0027672, MeSH D009386, MONDO:0015356.

Submissions (3):

Myriad Genetics, Inc.
Classification: Benign for Tuberous sclerosis 2. Last evaluated: 2025-06-04. Review status: criteria provided, single submitter. Criteria: Myriad Autosomal Dominant, Autosomal Recessive and X-Linked Classification Criteria (2023). Collection method: clinical testing. Allele origin: unknown.
Comment: This variant is considered benign. This variant is a silent/synonymous amino acid change and it is not expected to impact splicing.

Ambry Genetics
Classification: Likely benign for Hereditary cancer-predisposing syndrome. Last evaluated: 2023-10-15. Review status: criteria provided, single submitter. Criteria: Ambry Variant Classification Scheme 2023. Collection method: clinical testing. Allele origin: germline.

Tuberous sclerosis database (TSC2)
No classification provided. Condition: TSC. Review status: no classification provided. Criteria: Tuberous Sclerosis Database Assertion Criteria 2015. Collection method: curation. Allele origin: germline. Affected: yes. Not counted in ClinVar's aggregate classification.